The following is an entry in ClinVar:

NM_001127222.2(CACNA1A):c.4872T>C (p.Tyr1624=)

Gene: CACNA1A (calcium voltage-gated channel subunit alpha1 A; minus strand). Cytogenetic location: 19p13.13.
Variant type: single nucleotide variant.
Coding change: c.4872T>C on transcript NM_001127222.2 (MANE Select); coding-DNA position 4872, T replaced by C.
Protein change: p.Tyr1624=; no amino-acid change (tyrosine 1624 retained).
Molecular consequence: synonymous variant.
Genome position (GRCh38, 1-based): chr19:13,245,260, A>G on the plus strand (T>C on the coding strand, the complement: CACNA1A is on the minus strand). VCF-style: chr19-13245260-A-G. GRCh37 (hg19) VCF-style: chr19-13356074-A-G.
Other names: c.4884T>C, p.Tyr1628= (NM_000068.4, NM_023035.3); c.4875T>C, p.Tyr1625= (NM_001127221.2, NM_001174080.2).
Identifiers: ClinVar variation 2649385 (VCV002649385.24), dbSNP rs1568457229, ClinGen allele CA505658906.

ClinVar aggregate classification (germline): Likely benign (1 of 4 stars; one submission).

Allele frequency attached by ClinVar (database versions not stated): gnomAD exomes below 0.00001.
gnomAD v4.1: 1 of 1,613,702 alleles (0.000062%); highest among the groups gnomAD compares: Non-Finnish European, 0.000085%; no homozygotes.

Submission:

CeGaT Center for Human Genetics Tuebingen
Classification: Likely benign. Last evaluated: 2022-04-01. Review status: criteria provided, single submitter. Criteria: CeGaT Center For Human Genetics Tuebingen Variant Classification Criteria Version 2. Collection method: clinical testing. Allele origin: germline. Affected: yes. Observed: 1 variant allele.
Comment: CACNA1A: BP4, BP7